The following is an entry in ClinVar:

ClinVar aggregate classification (germline): Pathogenic. Review status: criteria provided, single submitter (1 of 4 stars). 3 submissions from 2 submitters: Pathogenic (1). 2 of the submissions do not count toward it. Last evaluated 2020-05-18.

Conditions:
Haddad syndrome (OHD). Also called: Ondine-Hirschsprung disease. Identifiers: Orphanet 99803, MedGen C1859049, MONDO:0020493.
Congenital central hypoventilation. Also called: Congenital Central Hypoventilation Syndrome. Identifiers: Orphanet 661, Orphanet 99803, MedGen C1275808, MONDO:0800031. Disease mechanism: gain of function.
Hereditary cancer-predisposing syndrome. Also called: Neoplastic Syndromes, Hereditary; Tumor predisposition; Hereditary Cancer Syndrome; Hereditary neoplastic syndrome. Identifiers: Orphanet 140162, MedGen C0027672, MeSH D009386, MONDO:0015356.

Submissions (3):

Ambry Genetics
Classification: Pathogenic for Hereditary cancer-predisposing syndrome. Last evaluated: 2020-05-18. Review status: criteria provided, single submitter. Criteria: Ambry Variant Classification Scheme 2023. Collection method: clinical testing. Allele origin: germline.
Comment: The p.Y78* pathogenic mutation (also known as c.234C>G), located in coding exon 1 of the PHOX2B gene, results from a C to G substitution at nucleotide position 234. This changes the amino acid from a tyrosine to a stop codon within coding exon 1. This mutation was maternally inherited in two siblings with Hirschsprung disease and respiratory issues; one sibling had several episodes of desaturations while the second sibling was diagnosed with central apnea. Their mother did not have Hirschsprung disease, but reported episodes of possible apneic episodes during sleep and awakening feeling breathless (Lombardo RC et al. Am. J. Med. Genet. A, 2017 Jun;173:1705-1709). This mutation has also been detected in an additional individual with hypopnea, intermittent desaturations, abnormal sleep study, and additional findings (Katwa U. Am. J. Med. Genet. A. 2018 07;176(7):1627-1631). In addition to the clinical data presented in the literature, this alteration is expected to result in loss of function by premature protein truncation or nonsense-mediated mRNA decay. As such, this alteration is interpreted as a disease-causing mutation.

OMIM
Classification: Pathogenic for CENTRAL HYPOVENTILATION SYNDROME, CONGENITAL, 1. Last evaluated: 2021-08-25. Review status: no assertion criteria provided. Collection method: literature only. Allele origin: germline. Not counted in ClinVar's aggregate classification.

OMIM
Classification: Pathogenic for CCHS WITH HIRSCHSPRUNG DISEASE. Last evaluated: 2021-08-25. Review status: no assertion criteria provided. Collection method: literature only. Allele origin: germline. Not counted in ClinVar's aggregate classification.

Literature cited by the submitters: PubMed 28422456 (cited by Ambry Genetics); PubMed 29543228 (cited by Ambry Genetics and OMIM); PubMed 29704303 (cited by Ambry Genetics); Hamosh, A. Personal Communication. 2020. Baltimore, Md. (cited by OMIM).

NM_003924.4(PHOX2B):c.234C>G (p.Tyr78Ter)

Genes: PHOX2B (paired like homeobox 2B; minus strand), PHOX2B-AS1 (PHOX2B antisense RNA 1; plus strand). Cytogenetic location: 4p13.
Variant type: single nucleotide variant.
Coding change: c.234C>G on transcript NM_003924.4 (MANE Select); coding-DNA position 234, C replaced by G.
Protein change: p.Tyr78Ter; replaces tyrosine 78 with a stop codon.
Molecular consequence: nonsense.
Genome position (GRCh38, 1-based): chr4:41,748,377, G>C on the plus strand (C>G on the coding strand, the complement: PHOX2B is on the minus strand). VCF-style: chr4-41748377-G-C. GRCh37 (hg19) VCF-style: chr4-41750394-G-C.
Other names: short protein forms Y78*.
Identifiers: ClinVar variation 869129 (VCV000869129.6), dbSNP rs73810366, ClinGen allele CA356740762.